The following is an entry in ClinVar:

NM_007194.4(CHEK2):c.638C>A (p.Pro213His)

Gene: CHEK2 (checkpoint kinase 2; minus strand). Cytogenetic location: 22q12.1.
Variant type: single nucleotide variant.
Coding change: c.638C>A on transcript NM_007194.4 (MANE Select); coding-DNA position 638, C replaced by A.
Protein change: p.Pro213His; replaces proline 213 with histidine.
Molecular consequence: missense variant. On other transcripts: 5 prime UTR variant (2), intron variant (1).
Genome position (GRCh38, 1-based): chr22:28,719,440, G>T on the plus strand (C>A on the coding strand, the complement: CHEK2 is on the minus strand). VCF-style: chr22-28719440-G-T. GRCh37 (hg19) VCF-style: chr22-29115428-G-T.
Other names: c.767C>A, p.Pro256His (NM_001005735.3, NM_001438294.1); c.-26C>A (NM_001257387.3, NM_001437942.1); c.731C>A, p.Pro244His (NM_001438293.1, NM_001438295.1); c.638C>A, p.Pro213His (NM_145862.3); c.482+5446C>A (NM_001349956.3); short protein forms P213H, P256H, P244H.
Identifiers: ClinVar variation 826374 (VCV000826374.15), dbSNP rs1569149890, ClinGen allele CA411105017.

ClinVar aggregate classification (germline): Uncertain significance. Review status: criteria provided, multiple submitters, no conflicts (2 of 4 stars). 2 submissions from 2 submitters: Uncertain significance (2). Last evaluated 2025-05-07.

Conditions:
Hereditary cancer-predisposing syndrome. Also called: Neoplastic Syndromes, Hereditary; Tumor predisposition; Hereditary neoplastic syndrome; Hereditary Cancer Syndrome. Identifiers: Orphanet 140162, MedGen C0027672, MeSH D009386, MONDO:0015356.
Familial cancer of breast. Also called: BREAST CANCER, FAMILIAL; Hereditary breast cancer; hereditary breast carcinoma. Identifiers: Orphanet 227535, MedGen C0346153, MONDO:0016419, OMIM 114480. Disease mechanism: loss of function.

gnomAD v4.1: 2 of 1,598,302 alleles (0.00013%); highest among the groups gnomAD compares: East Asian, 0.0045%; no homozygotes.

Submissions (2):

Labcorp Genetics (formerly Invitae), Labcorp
Classification: Uncertain significance for Familial cancer of breast. Last evaluated: 2025-05-07. Review status: criteria provided, single submitter. Criteria: Invitae Variant Classification Sherloc (09022015). Collection method: clinical testing. Allele origin: germline.
Comment: This sequence change replaces proline, which is neutral and non-polar, with histidine, which is basic and polar, at codon 213 of the CHEK2 protein (p.Pro213His). This variant is not present in population databases (gnomAD no frequency). This variant has not been reported in the literature in individuals affected with CHEK2-related conditions. ClinVar contains an entry for this variant (Variation ID: 826374). An algorithm developed to predict the effect of missense changes on protein structure and function (PolyPhen-2) suggests that this variant is likely to be disruptive. In summary, the available evidence is currently insufficient to determine the role of this variant in disease. Therefore, it has been classified as a Variant of Uncertain Significance.

Ambry Genetics
Classification: Uncertain significance for Hereditary cancer-predisposing syndrome. Last evaluated: 2019-03-30. Review status: criteria provided, single submitter. Criteria: Ambry Variant Classification Scheme 2023. Collection method: clinical testing. Allele origin: germline.
Comment: The p.P213H variant (also known as c.638C>A), located in coding exon 4 of the CHEK2 gene, results from a C to A substitution at nucleotide position 638. The proline at codon 213 is replaced by histidine, an amino acid with similar properties. This alteration has been reported with a carrier frequency of 0 in 7051 unselected breast cancer patients and 0.00062 in 11241 female controls of Japanese ancestry (Momozawa Y et al. Nat Commun, 2018 10;9:4083). This amino acid position is highly conserved in available vertebrate species. In addition, the in silico prediction for this alteration is inconclusive. Since supporting evidence is limited at this time, the clinical significance of this alteration remains unclear.

Literature cited by the submitters: PubMed 30287823 (cited by Ambry Genetics).